The following is an entry in ClinVar:

ClinVar aggregate classification (germline): Uncertain significance (1 of 4 stars; one submission).

Conditions:
Severe combined immunodeficiency due to DNA-PKcs deficiency. Also called: IMMUNODEFICIENCY 26 WITH NEUROLOGIC ABNORMALITIES; Immunodeficiency 26 with or without neurologic abnormalities. Identifiers: Orphanet 317425, MedGen C4014833, MONDO:0014423, OMIM 615966.

Allele frequency attached by ClinVar (database versions not stated): ExAC 0.00001.

Submission:

Labcorp Genetics (formerly Invitae), Labcorp
Classification: Uncertain significance for Severe combined immunodeficiency due to DNA-PKcs deficiency. Last evaluated: 2020-10-19. Review status: criteria provided, single submitter. Criteria: Invitae Variant Classification Sherloc (09022015). Collection method: clinical testing. Allele origin: germline.
Comment: This sequence change replaces asparagine with serine at codon 1568 of the PRKDC protein (p.Asn1568Ser). The asparagine residue is highly conserved and there is a small physicochemical difference between asparagine and serine. In summary, the available evidence is currently insufficient to determine the role of this variant in disease. Therefore, it has been classified as a Variant of Uncertain Significance. Experimental studies and prediction algorithms are not available or were not evaluated, and the functional significance of this variant is currently unknown. This variant has not been reported in the literature in individuals with PRKDC-related conditions. The frequency data for this variant in the population databases is considered unreliable, as metrics indicate poor data quality at this position in the ExAC database.

NM_006904.7(PRKDC):c.4703A>G (p.Asn1568Ser)

Gene: PRKDC (protein kinase, DNA-activated, catalytic subunit; minus strand). Cytogenetic location: 8q11.21.
Variant type: single nucleotide variant.
Coding change: c.4703A>G on transcript NM_006904.7 (MANE Select); coding-DNA position 4703, A replaced by G.
Protein change: p.Asn1568Ser; replaces asparagine 1568 with serine.
Molecular consequence: missense variant.
Genome position (GRCh38, 1-based): chr8:47,886,017, T>C on the plus strand (A>G on the coding strand, the complement: PRKDC is on the minus strand). VCF-style: chr8-47886017-T-C. GRCh37 (hg19) VCF-style: chr8-48798578-T-C.
Other names: c.4703A>G, p.Asn1568Ser (NM_001081640.2); short protein forms N1568S.
Identifiers: ClinVar variation 1043442 (VCV001043442.6), dbSNP rs762873681, ClinGen allele CA4740828.